The following is an entry in ClinVar:

ClinVar aggregate classification (germline): Uncertain significance (1 of 4 stars; one submission).

Conditions:
Peroxisome biogenesis disorder, complementation group K (CGK). Identifiers: MedGen C1866257, MONDO:0800365.

Allele frequency attached by ClinVar (database versions not stated): gnomAD exomes below 0.00001 and 0.00001; ExAC 0.00002; gnomAD 0.00003; TOPMed 0.00003.

Submission:

Labcorp Genetics (formerly Invitae), Labcorp
Classification: Uncertain significance for Peroxisome biogenesis disorder, complementation group K. Last evaluated: 2024-11-04. Review status: criteria provided, single submitter. Criteria: Invitae Variant Classification Sherloc (09022015). Collection method: clinical testing. Allele origin: germline.
Comment: This sequence change replaces serine, which is neutral and polar, with asparagine, which is neutral and polar, at codon 371 of the PEX14 protein (p.Ser371Asn). This variant is present in population databases (no rsID available, gnomAD 0.01%). This variant has not been reported in the literature in individuals affected with PEX14-related conditions. ClinVar contains an entry for this variant (Variation ID: 1491934). Invitae Evidence Modeling of protein sequence and biophysical properties (such as structural, functional, and spatial information, amino acid conservation, physicochemical variation, residue mobility, and thermodynamic stability) indicates that this missense variant is expected to disrupt PEX14 protein function with a positive predictive value of 80%. In summary, the available evidence is currently insufficient to determine the role of this variant in disease. Therefore, it has been classified as a Variant of Uncertain Significance.

NM_004565.3(PEX14):c.1112G>A (p.Ser371Asn)

Gene: PEX14 (peroxisomal biogenesis factor 14; plus strand). Cytogenetic location: 1p36.22.
Variant type: single nucleotide variant.
Coding change: c.1112G>A on transcript NM_004565.3 (MANE Select); coding-DNA position 1112, G replaced by A.
Protein change: p.Ser371Asn; replaces serine 371 with asparagine.
Molecular consequence: missense variant.
Genome position (GRCh38, 1-based): chr1:10,629,965, G>A. VCF-style: chr1-10629965-G-A. GRCh37 (hg19) VCF-style: chr1-10690022-G-A.
Other names: short protein forms S371N.
Identifiers: ClinVar variation 1491934 (VCV001491934.6), dbSNP rs1029768863, ClinGen allele CA584034.